The following is an entry in ClinVar:

NM_001368397.1(FRMPD4):c.449C>A (p.Thr150Asn)

Gene: FRMPD4 (FERM and PDZ domain containing 4; plus strand). Cytogenetic location: Xp22.2.
Variant type: single nucleotide variant.
Coding change: c.449C>A on transcript NM_001368397.1 (MANE Select); coding-DNA position 449, C replaced by A.
Protein change: p.Thr150Asn; replaces threonine 150 with asparagine.
Molecular consequence: missense variant.
Genome position (GRCh38, 1-based): chrX:12,674,889, C>A. VCF-style: chrX-12674889-C-A. GRCh37 (hg19) VCF-style: chrX-12693008-C-A.
Other names: c.560C>A, p.Thr187Asn (NM_001368395.3, NM_001368398.3); c.449C>A, p.Thr150Asn (NM_001368396.3, NM_014728.3); c.440C>A, p.Thr147Asn (NM_001368399.3); c.329C>A, p.Thr110Asn (NM_001368400.3); c.425C>A, p.Thr142Asn (NM_001368401.1, NM_001368402.3); short protein forms T187N, T110N, T142N, T147N, T150N.
Identifiers: ClinVar variation 2022118 (VCV002022118.4), dbSNP rs942882398, ClinGen allele CA412007114.

ClinVar aggregate classification (germline): Uncertain significance (1 of 4 stars; one submission).

Submission:

Labcorp Genetics (formerly Invitae), Labcorp
Classification: Uncertain significance. Last evaluated: 2022-08-05. Review status: criteria provided, single submitter. Criteria: Invitae Variant Classification Sherloc (09022015). Collection method: clinical testing. Allele origin: germline.
Comment: This variant is not present in population databases (gnomAD no frequency). This sequence change replaces threonine, which is neutral and polar, with asparagine, which is neutral and polar, at codon 150 of the FRMPD4 protein (p.Thr150Asn). This variant has not been reported in the literature in individuals affected with FRMPD4-related conditions. In summary, the available evidence is currently insufficient to determine the role of this variant in disease. Therefore, it has been classified as a Variant of Uncertain Significance. Algorithms developed to predict the effect of missense changes on protein structure and function are either unavailable or do not agree on the potential impact of this missense change (SIFT: "Tolerated"; PolyPhen-2: "Probably Damaging"; Align-GVGD: "Class C0").